The following is an entry in ClinVar:

NM_000222.3(KIT):c.1706T>A (p.Val569Asp)

Gene: KIT (KIT proto-oncogene, receptor tyrosine kinase; plus strand). Cytogenetic location: 4q12.
Variant type: single nucleotide variant.
Coding change: c.1706T>A on transcript NM_000222.3 (MANE Select); coding-DNA position 1706, T replaced by A.
Protein change: p.Val569Asp; replaces valine 569 with aspartic acid.
Molecular consequence: missense variant.
Genome position (GRCh38, 1-based): chr4:54,727,474, T>A. VCF-style: chr4-54727474-T-A. GRCh37 (hg19) VCF-style: chr4-55593640-T-A.
Other names: c.1694T>A, p.Val565Asp (NM_001093772.2, NM_001385286.1); c.1709T>A, p.Val570Asp (NM_001385284.1, NM_001385290.1); c.1706T>A, p.Val569Asp (NM_001385285.1); c.1697T>A, p.Val566Asp (NM_001385288.1, NM_001385292.1); short protein forms V566D, V569D, V565D, V570D.
Identifiers: ClinVar variation 1778457 (VCV001778457.5), dbSNP rs1057519706, ClinGen allele CA356907533.

ClinVar aggregate classification (germline): Uncertain significance. Review status: criteria provided, multiple submitters, no conflicts (2 of 4 stars). 2 submissions from 2 submitters: Uncertain significance (2). Last evaluated 2024-07-30.

Conditions:
Gastrointestinal stromal tumor. Also called: Gastrointestinal stromal tumor, somatic; Gastrointestinal stroma tumor. Identifiers: Orphanet 44890, MedGen C0238198, MeSH D046152, MONDO:0011719, OMIM 606764, HP:0100723.
Hereditary cancer-predisposing syndrome. Also called: Neoplastic Syndromes, Hereditary; Tumor predisposition; Hereditary Cancer Syndrome; Hereditary neoplastic syndrome. Identifiers: Orphanet 140162, MedGen C0027672, MeSH D009386, MONDO:0015356.

Submissions (2):

Labcorp Genetics (formerly Invitae), Labcorp
Classification: Uncertain significance for Gastrointestinal stromal tumor. Last evaluated: 2024-07-30. Review status: criteria provided, single submitter. Criteria: Invitae Variant Classification Sherloc (09022015). Collection method: clinical testing. Allele origin: germline.
Comment: This sequence change replaces valine, which is neutral and non-polar, with aspartic acid, which is acidic and polar, at codon 569 of the KIT protein (p.Val569Asp). This variant is not present in population databases (gnomAD no frequency). This variant has not been reported in the literature in individuals affected with KIT-related conditions. ClinVar contains an entry for this variant (Variation ID: 1778457). An algorithm developed to predict the effect of missense changes on protein structure and function (PolyPhen-2) suggests that this variant is likely to be disruptive. In summary, the available evidence is currently insufficient to determine the role of this variant in disease. Therefore, it has been classified as a Variant of Uncertain Significance.

Ambry Genetics
Classification: Uncertain significance for Hereditary cancer-predisposing syndrome. Last evaluated: 2024-04-19. Review status: criteria provided, single submitter. Criteria: Ambry Variant Classification Scheme 2023. Collection method: clinical testing. Allele origin: germline.
Comment: The p.V569D variant (also known as c.1706T>A), located in coding exon 11 of the KIT gene, results from a T to A substitution at nucleotide position 1706. The valine at codon 569 is replaced by aspartic acid, an amino acid with highly dissimilar properties. This amino acid position is well conserved in available vertebrate species. In addition, this alteration is predicted to be deleterious by in silico analysis. Since supporting evidence is limited at this time, the clinical significance of this alteration remains unclear.